The following is an entry in ClinVar:

ClinVar aggregate classification (germline): Likely benign (1 of 4 stars; one submission).

gnomAD v4.1: 8 of 1,604,426 alleles (0.0005%); highest among the groups gnomAD compares: East Asian, 0.0022%; no homozygotes.

Submission:

GeneDx
Classification: Likely benign. Last evaluated: 2017-10-03. Review status: criteria provided, single submitter. Criteria: GeneDx Variant Classification (06012015). Collection method: clinical testing. Allele origin: germline. Affected: yes.
Comment: This variant is considered likely benign or benign based on one or more of the following criteria: it is a conservative change, it occurs at a poorly conserved position in the protein, it is predicted to be benign by multiple in silico algorithms, and/or has population frequency not consistent with disease.

NM_004046.6(ATP5F1A):c.-9A>T

Genes: ATP5F1A (ATP synthase F1 subunit alpha; minus strand), LOC126862738 (BRD4-independent group 4 enhancer GRCh37_chr18:43677662-43678861; plus strand). Cytogenetic location: 18q21.1.
Variant type: single nucleotide variant.
Coding change: c.-9A>T on transcript NM_004046.6 (MANE Select); 9 bases upstream of the start codon, A replaced by T.
Molecular consequence: 5 prime UTR variant.
Genome position (GRCh38, 1-based): chr18:46,098,240, T>A on the plus strand (A>T on the coding strand, the complement: ATP5F1A is on the minus strand). VCF-style: chr18-46098240-T-A. GRCh37 (hg19) VCF-style: chr18-43678206-T-A.
Other names: c.-232A>T (NM_001001935.3); c.-9A>T (NM_001001937.2, NM_001257334.2); c.-495A>T (NM_001257335.2).
Identifiers: ClinVar variation 512299 (VCV000512299.1), dbSNP rs371671312, ClinGen allele CA299760330.
Genomic context (GRCh38, chr18:46,098,240, plus strand): 5'-CCCGCCGAGGAAGGGCGCGGACCACGGCCGCAGCAACGCGCACGGACAGCATCTTTGCAG[T>A]TACTCCGCAGGCGGTACTTCTGCAGCCGCAGCCTCCGGACTGACTGGGACAAAATGGCCG-3'